The following is an entry in ClinVar:

NM_002047.4(GARS1):c.439C>G (p.Leu147Val)

Gene: GARS1 (glycyl-tRNA synthetase 1; plus strand). Cytogenetic location: 7p14.3.
Variant type: single nucleotide variant.
Coding change: c.439C>G on transcript NM_002047.4 (MANE Select); coding-DNA position 439, C replaced by G.
Protein change: p.Leu147Val; replaces leucine 147 with valine.
Molecular consequence: missense variant.
Genome position (GRCh38, 1-based): chr7:30,601,070, C>G. VCF-style: chr7-30601070-C-G. GRCh37 (hg19) VCF-style: chr7-30640686-C-G.
Other names: c.277C>G, p.Leu93Val (NM_001316772.1); short protein forms L147V, L93V.
Identifiers: ClinVar variation 3896587 (VCV003896587.2).

ClinVar aggregate classification (germline): Uncertain significance (1 of 4 stars; one submission).

gnomAD v4.1: 3 of 1,613,752 alleles (0.00019%); highest among the groups gnomAD compares: African/African-American, 0.004%; no homozygotes.

Submission:

Women's Health and Genetics/Laboratory Corporation of America, LabCorp
Classification: Uncertain significance. Last evaluated: 2025-04-28. Review status: criteria provided, single submitter. Criteria: LabCorp Variant Classification Summary - May 2015. Collection method: clinical testing. Allele origin: germline.
Comment: Variant summary: GARS1 c.439C>G (p.Leu147Val) results in a conservative amino acid change in the encoded protein sequence. Four of five in-silico tools predict a damaging effect of the variant on protein function. The variant allele was found at a frequency of 1.9e-06 in 1613752 control chromosomes. The available data on variant occurrences in the general population are insufficient to allow any conclusion about variant significance. To our knowledge, no occurrence of c.439C>G in individuals affected with Charcot-Marie-Tooth disease type 2D and no experimental evidence demonstrating its impact on protein function have been reported. No submitters have cited clinical-significance assessments for this variant to ClinVar. Based on the evidence outlined above, the variant was classified as uncertain significance.